The following is an entry in ClinVar:

NM_017777.4(MKS1):c.1387C>T (p.Arg463Trp)

Gene: MKS1 (MKS transition zone complex subunit 1; minus strand). Cytogenetic location: 17q22.
Variant type: single nucleotide variant.
Coding change: c.1387C>T on transcript NM_017777.4 (MANE Select); coding-DNA position 1387, C replaced by T.
Protein change: p.Arg463Trp; replaces arginine 463 with tryptophan.
Molecular consequence: missense variant. On other transcripts: intron variant (1).
Genome position (GRCh38, 1-based): chr17:58,207,105, G>A on the plus strand (C>T on the coding strand, the complement: MKS1 is on the minus strand). VCF-style: chr17-58207105-G-A. GRCh37 (hg19) VCF-style: chr17-56284466-G-A.
Other names: c.1387C>T (NM_017777.3); c.778C>T, p.Arg260Trp (NM_001321268.2); c.1387C>T, p.Arg463Trp (NM_001321269.2); c.1274-725C>T (NM_001330397.2); short protein forms R260W, R463W.
Identifiers: ClinVar variation 1040131 (VCV001040131.7), dbSNP rs766392300, ClinGen allele CA8669153.

ClinVar aggregate classification (germline): Uncertain significance. Review status: criteria provided, multiple submitters, no conflicts (2 of 4 stars). 4 submissions from 4 submitters: Uncertain significance (2). 2 of the submissions do not count toward it. Last evaluated 2024-05-29.

Conditions:
MKS1-related disorder. Also called: MKS1-related disorders; MKS1-related condition. Identifiers: MedGen CN239382.
Meckel syndrome, type 1 (MKS1). Also called: MECKEL-GRUBER SYNDROME, TYPE 1. Identifiers: Orphanet 564, MedGen C3714506, MONDO:0009571, OMIM 249000.
Bardet-Biedl syndrome 13 (BBS13). Identifiers: Orphanet 110, MedGen C2673873, MONDO:0014441, OMIM 615990.
Joubert syndrome 28 (JBTS28). Identifiers: MedGen C4310705, MONDO:0014928, OMIM 617121.
Joubert syndrome. Also called: JOUBERT-BOLTSHAUSER SYNDROME; Familial aplasia of the vermis. Identifiers: Orphanet 475, MedGen C5979921, MONDO:0018772.
Meckel-Gruber syndrome. Also called: DYSENCEPHALIA SPLANCHNOCYSTICA; GRUBER SYNDROME; Dysencephalia splachnocystica. Identifiers: Orphanet 564, MedGen C0265215, MONDO:0018921.

Allele frequency attached by ClinVar (database versions not stated): ExAC 0.00002; gnomAD 0.00003; gnomAD exomes 0.00001; TOPMed 0.00001.
gnomAD v4.1: 13 of 1,614,042 alleles (0.00081%); highest among the groups gnomAD compares: East Asian, 0.0045%; no homozygotes.

Submissions (4):

Labcorp Genetics (formerly Invitae), Labcorp
Classification: Uncertain significance for Joubert syndrome; Meckel-Gruber syndrome. Last evaluated: 2024-05-29. Review status: criteria provided, single submitter. Criteria: Invitae Variant Classification Sherloc (09022015). Collection method: clinical testing. Allele origin: germline.
Comment: This sequence change replaces arginine, which is basic and polar, with tryptophan, which is neutral and slightly polar, at codon 463 of the MKS1 protein (p.Arg463Trp). This variant is present in population databases (rs766392300, gnomAD 0.007%). This variant has not been reported in the literature in individuals affected with MKS1-related conditions. ClinVar contains an entry for this variant (Variation ID: 1040131). Advanced modeling of protein sequence and biophysical properties (such as structural, functional, and spatial information, amino acid conservation, physicochemical variation, residue mobility, and thermodynamic stability) performed at Invitae indicates that this missense variant is expected to disrupt MKS1 protein function with a positive predictive value of 80%. In summary, the available evidence is currently insufficient to determine the role of this variant in disease. Therefore, it has been classified as a Variant of Uncertain Significance.

Department of Pathology and Laboratory Medicine, Sinai Health System
Classification: Uncertain significance for Meckel syndrome, type 1; Bardet-Biedl syndrome 13; Joubert syndrome 28. Last evaluated: 2022-06-30. Review status: criteria provided, single submitter. Criteria: ACMG Guidelines, 2015. Collection method: research. Allele origin: germline.

PreventionGenetics, part of Exact Sciences
Classification: Uncertain significance for MKS1-related condition. Last evaluated: 2024-04-16. Review status: no assertion criteria provided. Collection method: clinical testing. Allele origin: germline. Not counted in ClinVar's aggregate classification.
Comment: The MKS1 c.1387C>T variant is predicted to result in the amino acid substitution p.Arg463Trp. This variant has been reported, along with another variant in MKS1, in an individual with Joubert syndrome (Supplemental Table 2, NIH Ciliopathy Number 510, Summers et al. 2017. PubMed ID: 28497568). This variant is reported in 0.0065% of alleles in individuals of African descent in gnomAD. At this time, the clinical significance of this variant is uncertain due to the absence of conclusive functional and genetic evidence.

Natera, Inc.
Classification: Uncertain significance for Meckel syndrome type 1. Last evaluated: 2020-04-14. Review status: no assertion criteria provided. Collection method: clinical testing. Allele origin: germline. Not counted in ClinVar's aggregate classification.